The following is an entry in ClinVar:

NM_013444.4(UBQLN2):c.405T>C (p.Pro135=)

Gene: UBQLN2 (ubiquilin 2; plus strand). Cytogenetic location: Xp11.21.
Variant type: single nucleotide variant.
Coding change: c.405T>C on transcript NM_013444.4 (MANE Select); coding-DNA position 405, T replaced by C.
Protein change: p.Pro135=; no amino-acid change (proline 135 retained).
Molecular consequence: synonymous variant.
Genome position (GRCh38, 1-based): chrX:56,564,278, T>C. VCF-style: chrX-56564278-T-C. GRCh37 (hg19) VCF-style: chrX-56590711-T-C.
Identifiers: ClinVar variation 1956246 (VCV001956246.23), dbSNP rs752495903, ClinGen allele CA10430069.

ClinVar aggregate classification (germline): Benign/Likely benign. Review status: criteria provided, multiple submitters, no conflicts (2 of 4 stars). 3 submissions from 3 submitters: Benign (1); Likely benign (1). 1 of the submissions does not count toward it. Last evaluated 2025-02-12.

Conditions:
UBQLN2-related disorder. Also called: UBQLN2-related condition.
Amyotrophic lateral sclerosis type 15. Also called: AMYOTROPHIC LATERAL SCLEROSIS 15 WITH FRONTOTEMPORAL DEMENTIA. Identifiers: Orphanet 803, MedGen C3275459, MONDO:0010459, OMIM 300857.

Allele frequency attached by ClinVar (database versions not stated): ExAC 0.00001; gnomAD 0.00002; TOPMed 0.00003; gnomAD exomes 0.00010.
gnomAD v4.1: 103 of 1,208,922 alleles (0.0085%); highest among the groups gnomAD compares: Non-Finnish European, 0.011%; no homozygotes.

Submissions (3):

Labcorp Genetics (formerly Invitae), Labcorp
Classification: Benign for Amyotrophic lateral sclerosis type 15. Last evaluated: 2025-02-12. Review status: criteria provided, single submitter. Criteria: Invitae Variant Classification Sherloc (09022015). Collection method: clinical testing. Allele origin: germline.

CeGaT Center for Human Genetics Tuebingen
Classification: Likely benign. Last evaluated: 2024-07-01. Review status: criteria provided, single submitter. Criteria: CeGaT Center For Human Genetics Tuebingen Variant Classification Criteria Version 2. Collection method: clinical testing. Allele origin: germline. Affected: yes. Observed: 1 variant allele.
Comment: UBQLN2: BP4, BP7, BS2

PreventionGenetics, part of Exact Sciences
Classification: Likely benign for UBQLN2-related condition. Last evaluated: 2022-11-28. Review status: no assertion criteria provided. Collection method: clinical testing. Allele origin: germline. Not counted in ClinVar's aggregate classification.
Comment: This variant is classified as likely benign based on ACMG/AMP sequence variant interpretation guidelines (Richards et al. 2015 PMID: 25741868, with internal and published modifications).